The following is an entry in ClinVar:

NM_080632.3(UPF3B):c.56C>G (p.Pro19Arg)

Gene: UPF3B (UPF3B regulator of nonsense mediated mRNA decay; minus strand). Cytogenetic location: Xq24.
Variant type: single nucleotide variant.
Coding change: c.56C>G on transcript NM_080632.3 (MANE Select); coding-DNA position 56, C replaced by G.
Protein change: p.Pro19Arg; replaces proline 19 with arginine.
Molecular consequence: missense variant.
Genome position (GRCh38, 1-based): chrX:119,852,873, G>C on the plus strand (C>G on the coding strand, the complement: UPF3B is on the minus strand). VCF-style: chrX-119852873-G-C. GRCh37 (hg19) VCF-style: chrX-118986836-G-C.
Other names: c.56C>G, p.Pro19Arg (NM_023010.4); short protein forms P19R.
Identifiers: ClinVar variation 3370086 (VCV003370086.1).

ClinVar aggregate classification (germline): Uncertain significance (1 of 4 stars; one submission).

gnomAD v4.1: 5 of 1,212,251 alleles (0.00041%); highest among the groups gnomAD compares: Non-Finnish European, 0.00056%; no homozygotes.

Submission:

GeneDx
Classification: Uncertain significance. Last evaluated: 2023-12-22. Review status: criteria provided, single submitter. Criteria: GeneDx Variant Classification Process June 2021. Collection method: clinical testing. Allele origin: germline. Affected: yes.
Comment: Not observed at significant frequency in large population cohorts (gnomAD); In silico analysis supports that this missense variant has a deleterious effect on protein structure/function; Has not been previously published as pathogenic or benign to our knowledge